The following is an entry in ClinVar:

NM_020117.11(LARS1):c.2130CCT[1] (p.Leu712del)

Gene: LARS1 (leucyl-tRNA synthetase 1; minus strand). Cytogenetic location: 5q32.
Variant type: Microsatellite.
Coding change: c.2130CCT[1] on transcript NM_020117.11 (MANE Select); one copy of the 3-base unit CCT starting at c.2130; the reference has two copies in a row; one copy, 3 bases deleted; also written c.2133_2135del.
Protein change: p.Leu712del; deletes leucine 712.
Molecular consequence: inframe deletion.
Genome position (GRCh38, 1-based): chr5:146,140,217-146,140,219, AGG deleted on the plus strand (CCT on the coding strand, the reverse complement: LARS1 is on the minus strand); deleting any 3 consecutive bases within chr5:146,140,217-146,140,224 gives the same sequence; the position shown is the placement nearest the transcript's 3' end. VCF-style (leftmost placement, unchanged base first): chr5-146140216-CAGG-C. GRCh37 (hg19) VCF-style: chr5-145519779-CAGG-C.
Other names: c.2133_2135del (NM_020117.9); c.1992CCT[1], p.Leu666del (NM_001317964.2); c.1968CCT[1], p.Leu658del (NM_001317965.2); c.2049CCT[1], p.Leu685del (NM_016460.4); short protein forms L658del, L666del, L685del, L712del.
Identifiers: ClinVar variation 2627288 (VCV002627288.2), dbSNP rs765138415, ClinGen allele CA3489427.

ClinVar aggregate classification (germline): Conflicting classifications of pathogenicity. Review status: criteria provided, conflicting classifications (1 of 4 stars). 2 submissions from 2 submitters: Likely pathogenic (1); Uncertain significance (1). Last evaluated 2025-05-07.

Submissions (2):

GeneDx
Classification: Likely pathogenic. Last evaluated: 2025-05-07. Review status: criteria provided, single submitter. Criteria: GeneDx Variant Classification Process June 2021. Collection method: clinical testing. Allele origin: germline. Affected: yes.
Comment: Not observed at significant frequency in large population cohorts (gnomAD); In-frame deletion of 1 amino acid(s) in a non-repeat region; In silico analysis supports a deleterious effect on protein structure/function; This variant is associated with the following publications: (PMID: 28774368)

Women's Health and Genetics/Laboratory Corporation of America, LabCorp
Classification: Uncertain significance. Last evaluated: 2023-09-20. Review status: criteria provided, single submitter. Criteria: LabCorp Variant Classification Summary - May 2015. Collection method: clinical testing. Allele origin: germline.
Comment: Variant summary: LARS1 c.2133_2135delCCT (p.Leu712del) results in an in-frame deletion that is predicted to remove one amino acid from the encoded protein. The variant allele was found at a frequency of 2.8e-05 in 282706 control chromosomes (gnomAD). The available data on variant occurrences in the general population are insufficient to allow any conclusion about variant significance. c.2133_2135delCCT has been reported in the literature in an individual affected with Liver Failure Acute Infantile, Type 1 (example: Lin_2017). This report does not provide unequivocal conclusions about association of the variant with Liver Failure Acute Infantile, Type 1. To our knowledge, no experimental evidence demonstrating an impact on protein function has been reported. The following publication has been ascertained in the context of this evaluation (PMID: 28774368). No submitters have cited clinical-significance assessments for this variant to ClinVar after 2014. Based on the evidence outlined above, the variant was classified as uncertain significance.

Literature cited by the submitters: PubMed 28774368 (cited by Women's Health and Genetics/Laboratory Corporation of America, LabCorp).